The following is an entry in ClinVar:

ClinVar aggregate classification (germline): Pathogenic. Review status: criteria provided, multiple submitters, no conflicts (2 of 4 stars). 2 submissions from 2 submitters: Pathogenic (2). Last evaluated 2026-01-11.

Conditions:
Retinoblastoma (RB1). Also called: RETINOBLASTOMA, SOMATIC. Identifiers: Orphanet 790, MedGen C0035335, MeSH D012175, MONDO:0008380, OMIM 180200, HP:0009919. Disease mechanism: loss of function. Inheritance: Both sporadic and heritable forms are tested..

Submissions (3):

Labcorp Genetics (formerly Invitae), Labcorp
Classification: Pathogenic for Retinoblastoma. Last evaluated: 2026-01-11. Review status: criteria provided, single submitter. Criteria: Invitae Variant Classification Sherloc (09022015). Collection method: clinical testing. Allele origin: germline.
Comment: This sequence change affects a donor splice site in intron 25 of the RB1 gene. It is expected to disrupt RNA splicing. Variants that disrupt the donor or acceptor splice site typically lead to a loss of protein function (PMID: 16199547), and loss-of-function variants in RB1 are known to be pathogenic (PMID: 17096365). This variant is not present in population databases (gnomAD no frequency). Disruption of this splice site has been observed in individual(s) with retinoblastoma (PMID: 18449911, 31772335). ClinVar contains an entry for this variant (Variation ID: 1698813). Algorithms developed to predict the effect of sequence changes on RNA splicing suggest that this variant may disrupt the consensus splice site. For these reasons, this variant has been classified as Pathogenic.

Genetics and Molecular Pathology, SA Pathology
Classification: Pathogenic for Retinoblastoma. Last evaluated: 2022-03-02. Review status: criteria provided, single submitter. Criteria: ACMG Guidelines, 2015. Collection method: clinical testing. Allele origin: germline. Affected: yes.

Dr. Peter K. Rogan Lab, Western University
No classification provided (evidence only). Condition: Sarcoma. Review status: no classification provided. Collection method: in vitro. Allele origin: not applicable. Functional consequence: skipped exon, retained intron. Not counted in ClinVar's aggregate classification.

Literature cited by the submitters: PubMed 16199547 (cited by Labcorp Genetics (formerly Invitae), Labcorp); PubMed 17096365 (cited by Labcorp Genetics (formerly Invitae), Labcorp); PubMed 18449911 (cited by Labcorp Genetics (formerly Invitae), Labcorp); PubMed 31772335 (cited by Labcorp Genetics (formerly Invitae), Labcorp).

NM_000321.3(RB1):c.2663+1G>A

Gene: RB1 (RB transcriptional corepressor 1; plus strand). Cytogenetic location: 13q14.2.
Variant type: single nucleotide variant.
Coding change: c.2663+1G>A on transcript NM_000321.3 (MANE Select); the canonical splice donor site of the intron after coding-DNA position 2663, G replaced by A.
Molecular consequence: splice donor variant.
Genome position (GRCh38, 1-based): chr13:48,476,844, G>A. VCF-style: chr13-48476844-G-A. GRCh37 (hg19) VCF-style: chr13-49050980-G-A.
Other names: c.2663+1G>A (NM_001407165.1); c.113+1G>A (NM_001407168.1).
Identifiers: ClinVar variation 1698813 (VCV001698813.6), dbSNP rs2138359672, ClinGen allele CA388157676.
Genomic context (GRCh38, chr13:48,476,844, plus strand): 5'-TCCTAAACCACTGAAAAAACTACGCTTTGATATTGAAGGATCAGATGAAGCAGATGGAAG[G>A]TAGGAACCAGTTTTGAATGTTTTCCAGTAGCCGAGATGGTCATCTGGGGAATCCAGAGTC-3'